The following is an entry in ClinVar:

NM_133433.4(NIPBL):c.7524TTCAGA[5] (p.Ser2515_Glu2516insAspSer)

Gene: NIPBL (NIPBL cohesin loading factor; plus strand). Cytogenetic location: 5p13.2.
Variant type: Microsatellite.
Coding change: c.7524TTCAGA[5] on transcript NM_133433.4 (MANE Select); five copies in a row of the 6-base unit TTCAGA starting at c.7524; the reference has four copies in a row; one copy, 6 bases duplicated; also written c.7542_7547dup.
Protein change: p.Ser2515_Glu2516insAspSer.
Genome position (GRCh38, 1-based): chr5:37,059,022-37,059,027, TTCAGA duplicated; duplicating any 6 consecutive bases within chr5:37,059,001-37,059,027 gives the same sequence; the position shown is the placement nearest the transcript's 3' end. VCF-style (leftmost placement, unchanged base first): chr5-37059000-T-TAGATTC. GRCh37 (hg19) VCF-style: chr5-37059102-T-TAGATTC.
Other names: c.7524TTCAGA[5], p.Ser2515_Glu2516insAspSer (NM_015384.5); c.7542_7547dup (NM_133433.4).
Identifiers: ClinVar variation 3592333 (VCV003592333.3).

ClinVar aggregate classification (germline): Conflicting classifications of pathogenicity. Review status: criteria provided, conflicting classifications (1 of 4 stars). 3 submissions from 3 submitters: Uncertain significance (1); Likely benign (2). Last evaluated 2025-10-06.

Conditions:
Cornelia de Lange syndrome 1 (CDLS1). Also called: Brachmann de Lange syndrome; TYPUS DEGENERATIVUS AMSTELODAMENSIS; NIPBL-Related Cornelia de Lange Syndrome. Identifiers: Orphanet 199, MedGen C4551851, MONDO:0007387, OMIM 122470.

Submissions (3):

Labcorp Genetics (formerly Invitae), Labcorp
Classification: Uncertain significance for Cornelia de Lange syndrome 1. Last evaluated: 2025-10-06. Review status: criteria provided, single submitter. Criteria: Invitae Variant Classification Sherloc (09022015). Collection method: clinical testing. Allele origin: germline.
Comment: This variant, c.7542_7547dup, results in the insertion of 2 amino acid(s) of the NIPBL protein (p.Asp2514_Ser2515dup), but otherwise preserves the integrity of the reading frame. This variant is present in population databases (rs762768404, gnomAD 0.02%). This variant has not been reported in the literature in individuals affected with NIPBL-related conditions. Experimental studies and prediction algorithms are not available or were not evaluated, and the functional significance of this variant is currently unknown. In summary, the available evidence is currently insufficient to determine the role of this variant in disease. Therefore, it has been classified as a Variant of Uncertain Significance.

Fulgent Genetics
Classification: Likely benign for Cornelia de Lange syndrome 1. Last evaluated: 2024-06-25. Review status: criteria provided, single submitter. Criteria: ACMG Guidelines, 2015. Collection method: clinical testing. Allele origin: germline.

Blueprint Genetics
Classification: Likely benign. Last evaluated: 2023-04-24. Review status: criteria provided, single submitter. Criteria: ACMG Guidelines, 2015. Collection method: clinical testing. Allele origin: germline.